The following is an entry in ClinVar:

ClinVar aggregate classification (germline): Uncertain significance (1 of 4 stars; one submission).

Conditions:
Bilateral frontoparietal polymicrogyria. Also called: CORTICAL DYSPLASIA, COMPLEX, WITH OTHER BRAIN MALFORMATIONS 14A (BILATERAL FRONTOPARIETAL); CEREBELLAR ATAXIA WITH NEURONAL MIGRATION DEFECT. Identifiers: Orphanet 101070, MedGen C1847352, MONDO:0011738, OMIM 606854.

gnomAD v4.1: 1 of 1,613,974 alleles (0.000062%); highest among the groups gnomAD compares: Non-Finnish European, 0.000085%; no homozygotes.

Submission:

Baylor Genetics
Classification: Uncertain significance for Bilateral frontoparietal polymicrogyria. Last evaluated: 2020-03-04. Review status: criteria provided, single submitter. Criteria: ACMG Guidelines, 2015. Collection method: clinical testing. Allele origin: unknown. Affected: yes.
Comment: This variant was determined to be of uncertain significance according to ACMG Guidelines, 2015 [PMID:25741868].

NM_201525.4(ADGRG1):c.709G>T (p.Val237Leu)

Gene: ADGRG1 (adhesion G protein-coupled receptor G1; plus strand). Cytogenetic location: 16q21.
Variant type: single nucleotide variant.
Coding change: c.709G>T on transcript NM_201525.4 (MANE Select); coding-DNA position 709, G replaced by T.
Protein change: p.Val237Leu; replaces valine 237 with leucine.
Molecular consequence: missense variant.
Genome position (GRCh38, 1-based): chr16:57,654,074, G>T. VCF-style: chr16-57654074-G-T. GRCh37 (hg19) VCF-style: chr16-57687986-G-T.
Other names: c.709G>T, p.Val237Leu (NM_001145770.3, NM_001145771.3, NM_001145772.3 and 16 more transcripts); c.724G>T, p.Val242Leu (NM_001145773.3, NM_001370433.1); c.199G>T, p.Val67Leu (NM_001290142.2); c.184G>T, p.Val62Leu (NM_001290143.2, NM_001290144.2, NM_001370451.1 and 2 more transcripts); c.553G>T, p.Val185Leu (NM_001370442.1); short protein forms V185L, V242L, V62L, V67L, V237L.
Identifiers: ClinVar variation 1030011 (VCV001030011.1), dbSNP rs777329430, ClinGen allele CA8078489.
Genomic context (GRCh38, chr16:57,654,074, plus strand): 5'-ACCTCTGTGAGATTCATGGGGGACATGGTGTCCTTCGAGGAGGACCGGATCAACGCCACG[G>T]TGTGGAAGCTCCAGCCCACAGCCGGCCTCCAGGACCTGCACATCCACTCCCGGCAGGAGG-3'
Protein context (NP_958933.1, residues 227-247): SFEEDRINAT[Val237Leu]WKLQPTAGLQ